The following is an entry in ClinVar:

ClinVar aggregate classification (germline): Uncertain significance (1 of 4 stars; one submission).

gnomAD v4.1: 19 of 1,591,614 alleles (0.0012%); highest among the groups gnomAD compares: Admixed American, 0.0017%; no homozygotes.

Submission:

Women's Health and Genetics/Laboratory Corporation of America, LabCorp
Classification: Uncertain significance. Last evaluated: 2022-11-18. Review status: criteria provided, single submitter. Criteria: LabCorp Variant Classification Summary - May 2015. Collection method: clinical testing. Allele origin: germline.
Comment: Variant summary: CCDC88C c.46C>T (p.Pro16Ser) results in a non-conservative amino acid change located in the Calponin homology domain (IPR001715) of the encoded protein sequence. Three of five in-silico tools predict a damaging effect of the variant on protein function. The variant allele was found at a frequency of 1.4e-05 in 212922 control chromosomes. The available data on variant occurrences in the general population are insufficient to allow any conclusion about variant significance. To our knowledge, no occurrence of c.46C>T in individuals affected with CCDC88C-Related Disorders and no experimental evidence demonstrating its impact on protein function have been reported. No clinical diagnostic laboratories have submitted clinical-significance assessments for this variant to ClinVar after 2014. Based on the evidence outlined above, the variant was classified as uncertain significance.

NM_001080414.4(CCDC88C):c.46C>T (p.Pro16Ser)

Genes: CCDC88C (coiled-coil domain containing 88C; minus strand), LOC130056326 (ATAC-STARR-seq lymphoblastoid silent region 6026; plus strand). Cytogenetic location: 14q32.12.
Variant type: single nucleotide variant.
Coding change: c.46C>T on transcript NM_001080414.4 (MANE Select); coding-DNA position 46, C replaced by T.
Protein change: p.Pro16Ser; replaces proline 16 with serine.
Molecular consequence: missense variant.
Genome position (GRCh38, 1-based): chr14:91,417,645, G>A on the plus strand (C>T on the coding strand, the complement: CCDC88C is on the minus strand). VCF-style: chr14-91417645-G-A. GRCh37 (hg19) VCF-style: chr14-91883989-G-A.
Other names: short protein forms P16S.
Identifiers: ClinVar variation 1804707 (VCV001804707.1), dbSNP rs1218516465, ClinGen allele CA390620086.